The following is an entry in ClinVar:

ClinVar aggregate classification (germline): Likely pathogenic (1 of 4 stars; one submission).

Conditions:
LMF1-related disorder. Also called: LMF1-related condition.

Submission:

PreventionGenetics, part of Exact Sciences
Classification: Likely pathogenic for LMF1-related condition. Last evaluated: 2025-12-19. Review status: criteria provided, single submitter. Criteria: ACMG Guidelines, 2015. Collection method: clinical testing. Allele origin: germline.
Comment: The LMF1 c.1271_1272delCA variant is predicted to result in a frameshift and premature protein termination (p.Thr424Serfs*23). To our knowledge, this variant has not been reported in the literature. This variant is reported in 0.0033% of alleles in individuals of South Asian descent in gnomAD. Frameshift variants in LMF1 are expected to be pathogenic. This variant is interpreted as likely pathogenic.

NM_022773.4(LMF1):c.1271_1272del (p.Thr424fs)

Gene: LMF1 (lipase maturation factor 1; minus strand). Cytogenetic location: 16p13.3.
Variant type: Microsatellite.
Coding change: c.1271_1272del on transcript NM_022773.4 (MANE Select); coding-DNA positions 1271 to 1272, 2 bases deleted (CA; older notation c.1271_1272delCA).
Protein change: p.Thr424fs; shifts the reading frame from threonine 424.
Molecular consequence: frameshift variant. On other transcripts: non-coding transcript variant (1).
Genome position (GRCh38, 1-based): chr16:870,027-870,028, TG deleted on the plus strand (CA on the coding strand, the reverse complement: LMF1 is on the minus strand); deleting any 2 consecutive bases within chr16:870,027-870,030 gives the same sequence; the c. name uses the placement nearest the transcript's 3' end. VCF-style (leftmost placement, unchanged base first): chr16-870026-CTG-C. GRCh37 (hg19) VCF-style: chr16-920026-CTG-C.
Other names: c.620_621del, p.Thr207fs (NM_001352017.2, NM_001352021.2); c.872_873del, p.Thr291fs (NM_001352018.2); c.944_945del, p.Thr315fs (NM_001352019.2); c.1271_1272del, p.Thr424fs (NM_001352020.1); short protein forms T207fs, T291fs, T315fs, T424fs.
Identifiers: ClinVar variation 4994459 (VCV004994459.1).
Genomic context (GRCh38, chr16:870,026, plus strand): 5'-GCTTGCACTTGAACTCGTAGTCCTCCCACATGGCATCGGGGGCGCTGGCGTTGGAGCTGG[CTG>C]TGCCCTGCAGGATCACCTCCGCCCGCTCCTTGGTGATGCTGCCGGGAGACCGAGGCAGGC-3'